The following is an entry in ClinVar:

ClinVar aggregate classification (germline): Uncertain significance (1 of 4 stars; one submission).

Submission:

GeneDx
Classification: Uncertain significance. Last evaluated: 2024-03-25. Review status: criteria provided, single submitter. Criteria: GeneDx Variant Classification Process June 2021. Collection method: clinical testing. Allele origin: germline. Affected: yes.
Comment: Not observed at significant frequency in large population cohorts (gnomAD); In silico analysis supports that this missense variant does not alter protein structure/function; Has not been previously published as pathogenic or benign to our knowledge

NM_015559.3(SETBP1):c.3829A>C (p.Asn1277His)

Gene: SETBP1 (SET binding protein 1; plus strand). Cytogenetic location: 18q12.3.
Variant type: single nucleotide variant.
Coding change: c.3829A>C on transcript NM_015559.3 (MANE Select); coding-DNA position 3829, A replaced by C.
Protein change: p.Asn1277His; replaces asparagine 1277 with histidine.
Molecular consequence: missense variant.
Genome position (GRCh38, 1-based): chr18:44,953,169, A>C. VCF-style: chr18-44953169-A-C. GRCh37 (hg19) VCF-style: chr18-42533134-A-C.
Other names: c.3829A>C, p.Asn1277His (NM_001379141.1, NM_001379142.1, NM_001410862.1); short protein forms N1277H.
Identifiers: ClinVar variation 3371320 (VCV003371320.1).
Genomic context (GRCh38, chr18:44,953,169, plus strand): 5'-GACTCATGCACGAAAAGATACTCTGGCAGTGGCGGGGATGGTGGCAGCACGAGATCAGAG[A>C]ACCTGGACGTGTTCAGTGAAATGAACCCTTCGAATGACAAGTGGGACAGTGACGTGAGTG-3'
Protein context (NP_056374.2, residues 1267-1287): GGDGGSTRSE[Asn1277His]LDVFSEMNPS